The following is an entry in ClinVar:

NM_003884.5(KAT2B):c.1098T>A (p.Asp366Glu)

Gene: KAT2B (lysine acetyltransferase 2B; plus strand). Cytogenetic location: 3p24.3.
Variant type: single nucleotide variant.
Coding change: c.1098T>A on transcript NM_003884.5 (MANE Select); coding-DNA position 1098, T replaced by A.
Protein change: p.Asp366Glu; replaces aspartic acid 366 with glutamic acid.
Molecular consequence: missense variant.
Genome position (GRCh38, 1-based): chr3:20,114,936, T>A. VCF-style: chr3-20114936-T-A. GRCh37 (hg19) VCF-style: chr3-20156428-T-A.
Other names: short protein forms D366E.
Identifiers: ClinVar variation 3531837 (VCV003531837.2).
Genomic context (GRCh38, chr3:20,114,936, plus strand): 5'-GTCTAGATTTCTGTCCATGCTAGAAGAAGAAGTATATAGTCAAAACTCTCCCATCTGGGA[T>A]CAGGATTTTCTCTCAGCCTCTTCCAGAACCAGCCAGCTAGGCATCCAAACAGGTAAGTTT-3'
Protein context (NP_003875.3, residues 356-376): EVYSQNSPIW[Asp366Glu]QDFLSASSRT

ClinVar aggregate classification (germline): Uncertain significance. Review status: criteria provided, multiple submitters, no conflicts (2 of 4 stars). 2 submissions from 2 submitters: Uncertain significance (2). Last evaluated 2025-04-05.

Conditions:
KAT2B-related disorder. Also called: KAT2B-related condition.

gnomAD v4.1: 7 of 1,613,062 alleles (0.00043%); highest among the groups gnomAD compares: African/African-American, 0.008%; no homozygotes.

Submissions (2):

PreventionGenetics, part of Exact Sciences
Classification: Uncertain significance for KAT2B-related condition. Last evaluated: 2025-04-05. Review status: criteria provided, single submitter. Criteria: ACMG Guidelines, 2015. Collection method: clinical testing. Allele origin: germline.
Comment: The KAT2B c.1098T>A variant is predicted to result in the amino acid substitution p.Asp366Glu. To our knowledge, this variant has not been reported in the literature. This variant is reported in 0.020% of alleles in individuals of African descent in gnomAD. At this time, the clinical significance of this variant is uncertain due to the absence of conclusive functional and genetic evidence.

Ambry Genetics
Classification: Uncertain significance. Last evaluated: 2024-12-04. Review status: criteria provided, single submitter. Criteria: Ambry Variant Classification Scheme 2023. Collection method: clinical testing. Allele origin: germline.